The following is an entry in ClinVar:

NM_014159.7(SETD2):c.2968G>A (p.Val990Met)

Gene: SETD2 (SET domain containing 2, histone lysine methyltransferase; minus strand). Cytogenetic location: 3p21.31.
Variant type: single nucleotide variant.
Coding change: c.2968G>A on transcript NM_014159.7 (MANE Select); coding-DNA position 2968, G replaced by A.
Protein change: p.Val990Met; replaces valine 990 with methionine.
Molecular consequence: missense variant. On other transcripts: non-coding transcript variant (1).
Genome position (GRCh38, 1-based): chr3:47,121,668, C>T on the plus strand (G>A on the coding strand, the complement: SETD2 is on the minus strand). VCF-style: chr3-47121668-C-T. GRCh37 (hg19) VCF-style: chr3-47163158-C-T.
Other names: c.2836G>A, p.Val946Met (NM_001349370.3); short protein forms V946M, V990M.
Identifiers: ClinVar variation 4885394 (VCV004885394.2).

ClinVar aggregate classification (germline): Uncertain significance (1 of 4 stars; one submission).

gnomAD v4.1: 3 of 1,613,794 alleles (0.00019%); highest among the groups gnomAD compares: Non-Finnish European, 0.00025%; no homozygotes.

Submission:

Dasa
Classification: Uncertain significance. Last evaluated: 2025-07-02. Review status: criteria provided, single submitter. Criteria: DASA Assertion Criteria. Collection method: clinical testing. Allele origin: germline.
Comment: NM_014159.7(SETD2):c.2968G>A (p.Val990Met) is a missense variant that results in the substitution of valine with methionine. This variant is rare in population databases. Computational prediction algorithms are consistent with a benign effect. The currently available literature and clinical evidence are not sufficient to establish a definitive association between this variant and the reported condition. Therefore, this variant is classified as a variant of uncertain significance.